The following is an entry in ClinVar:

NM_177438.3(DICER1):c.2129A>G (p.Asp710Gly)

Gene: DICER1 (dicer 1, ribonuclease III; minus strand). Cytogenetic location: 14q32.13.
Variant type: single nucleotide variant.
Coding change: c.2129A>G on transcript NM_177438.3 (MANE Select); coding-DNA position 2129, A replaced by G.
Protein change: p.Asp710Gly; replaces aspartic acid 710 with glycine.
Molecular consequence: missense variant.
Genome position (GRCh38, 1-based): chr14:95,111,444, T>C on the plus strand (A>G on the coding strand, the complement: DICER1 is on the minus strand). VCF-style: chr14-95111444-T-C. GRCh37 (hg19) VCF-style: chr14-95577781-T-C.
Other names: c.2129A>G, p.Asp710Gly (NM_001195573.1, NM_001271282.3, NM_001291628.2 and 1 more transcripts); short protein forms D710G.
Identifiers: ClinVar variation 1366608 (VCV001366608.12), dbSNP rs2140068594, ClinGen allele CA390882899.

ClinVar aggregate classification (germline): Uncertain significance. Review status: criteria provided, multiple submitters, no conflicts (2 of 4 stars). 3 submissions from 3 submitters: Uncertain significance (3). Last evaluated 2024-02-05.

Conditions:
Global developmental delay - lung cysts - overgrowth - Wilms tumor syndrome. Also called: GLOW Syndrome; GLOBAL DEVELOPMENTAL DELAY, LUNG CYSTS, OVERGROWTH, AND WILMS TUMOR. Identifiers: Orphanet 404476, MedGen C4748924, MONDO:0018445, OMIM 618272.
Hereditary cancer-predisposing syndrome. Also called: Hereditary neoplastic syndrome; Hereditary Cancer Syndrome; Neoplastic Syndromes, Hereditary; Tumor predisposition. Identifiers: Orphanet 140162, MedGen C0027672, MeSH D009386, MONDO:0015356.
DICER1-related tumor predisposition. Also called: DICER1-related pleuropulmonary blastoma cancer predisposition syndrome; DICER1 syndrome. Identifiers: Orphanet 284343, MedGen C3839822, MONDO:0100216.

gnomAD v4.1: 1 of 1,614,118 alleles (0.000062%); no homozygotes.

Submissions (3):

Baylor Genetics
Classification: Uncertain significance for Global developmental delay - lung cysts - overgrowth - Wilms tumor syndrome. Last evaluated: 2024-02-05. Review status: criteria provided, single submitter. Criteria: ACMG Guidelines, 2015. Collection method: clinical testing. Allele origin: unknown.

Labcorp Genetics (formerly Invitae), Labcorp
Classification: Uncertain significance for DICER1-related tumor predisposition. Last evaluated: 2022-12-09. Review status: criteria provided, single submitter. Criteria: Invitae Variant Classification Sherloc (09022015). Collection method: clinical testing. Allele origin: germline.
Comment: This sequence change replaces aspartic acid, which is acidic and polar, with glycine, which is neutral and non-polar, at codon 710 of the DICER1 protein (p.Asp710Gly). This variant is not present in population databases (gnomAD no frequency). This variant has not been reported in the literature in individuals affected with DICER1-related conditions. ClinVar contains an entry for this variant (Variation ID: 1366608). Advanced modeling of protein sequence and biophysical properties (such as structural, functional, and spatial information, amino acid conservation, physicochemical variation, residue mobility, and thermodynamic stability) performed at Invitae indicates that this missense variant is expected to disrupt DICER1 protein function. In summary, the available evidence is currently insufficient to determine the role of this variant in disease. Therefore, it has been classified as a Variant of Uncertain Significance.

Ambry Genetics
Classification: Uncertain significance for Hereditary cancer-predisposing syndrome. Last evaluated: 2021-09-23. Review status: criteria provided, single submitter. Criteria: Ambry Variant Classification Scheme 2023. Collection method: clinical testing. Allele origin: germline.
Comment: The p.D710G variant (also known as c.2129A>G), located in coding exon 13 of the DICER1 gene, results from an A to G substitution at nucleotide position 2129. The aspartic acid at codon 710 is replaced by glycine, an amino acid with similar properties. This amino acid position is poorly conserved in available vertebrate species. In addition, the in silico prediction for this alteration is inconclusive. Since supporting evidence is limited at this time, the clinical significance of this alteration remains unclear.